The following is an entry in ClinVar:

ClinVar aggregate classification (germline): Likely benign (0 of 4 stars; one submission).

Conditions:
PPP5C-related disorder. Also called: PPP5C-related condition.

Allele frequency attached by ClinVar (database versions not stated): 1000 Genomes Project 0.00040; ESP Exome Variant Server 0.00085; ExAC 0.00043; TOPMed 0.00066; gnomAD exomes 0.00119; 1000 Genomes Project 30x 0.00031; gnomAD 0.00066.
gnomAD v4.1: 1,796 of 1,614,272 alleles (0.11%); highest among the groups gnomAD compares: Non-Finnish European, 0.14%; 2 homozygotes.

Submission:

PreventionGenetics, part of Exact Sciences
Classification: Likely benign for PPP5C-related condition. Last evaluated: 2020-04-29. Review status: no assertion criteria provided. Collection method: clinical testing. Allele origin: germline.
Comment: This variant is classified as likely benign based on ACMG/AMP sequence variant interpretation guidelines (Richards et al. 2015 PMID: 25741868, with internal and published modifications).

NM_006247.4(PPP5C):c.915G>A (p.Glu305=)

Genes: PPP5C (protein phosphatase 5 catalytic subunit; plus strand), PPP5C-AS1 (PPP5C antisense RNA 1; minus strand). Cytogenetic location: 19q13.32.
Variant type: single nucleotide variant.
Coding change: c.915G>A on transcript NM_006247.4 (MANE Select); coding-DNA position 915, G replaced by A.
Protein change: p.Glu305=; no amino-acid change (glutamic acid 305 retained).
Molecular consequence: synonymous variant.
Genome position (GRCh38, 1-based): chr19:46,387,103, G>A. VCF-style: chr19-46387103-G-A. GRCh37 (hg19) VCF-style: chr19-46890360-G-A.
Other names: c.849G>A, p.Glu283= (NM_001204284.2).
Identifiers: ClinVar variation 3037600 (VCV003037600.2), dbSNP rs147006420, ClinGen allele CA9528177.